The following is an entry in ClinVar:

NM_000465.4(BARD1):c.478A>G (p.Lys160Glu)

Gene: BARD1 (BRCA1 associated RING domain 1; minus strand). Cytogenetic location: 2q35.
Variant type: single nucleotide variant.
Coding change: c.478A>G on transcript NM_000465.4 (MANE Select); coding-DNA position 478, A replaced by G.
Protein change: p.Lys160Glu; replaces lysine 160 with glutamic acid.
Molecular consequence: missense variant. On other transcripts: non-coding transcript variant (2), intron variant (3).
Genome position (GRCh38, 1-based): chr2:214,781,396, T>C on the plus strand (A>G on the coding strand, the complement: BARD1 is on the minus strand). VCF-style: chr2-214781396-T-C. GRCh37 (hg19) VCF-style: chr2-215646120-T-C.
Other names: c.421A>G, p.Lys141Glu (NM_001282543.2); c.158+28016A>G (NM_001282548.2); c.215+15665A>G (NM_001282545.2); c.364+10901A>G (NM_001282549.2); short protein forms K141E, K160E.
Identifiers: ClinVar variation 963203 (VCV000963203.10), dbSNP rs1695025844, ClinGen allele CA350457561.

ClinVar aggregate classification (germline): Uncertain significance (1 of 4 stars; one submission).

Conditions:
Familial cancer of breast. Also called: BREAST CANCER, FAMILIAL; Hereditary breast cancer; hereditary breast carcinoma. Identifiers: Orphanet 227535, MedGen C0346153, MONDO:0016419, OMIM 114480. Disease mechanism: loss of function.

Submission:

Labcorp Genetics (formerly Invitae), Labcorp
Classification: Uncertain significance for Familial cancer of breast. Last evaluated: 2019-09-30. Review status: criteria provided, single submitter. Criteria: Invitae Variant Classification Sherloc (09022015). Collection method: clinical testing. Allele origin: germline.
Comment: In summary, the available evidence is currently insufficient to determine the role of this variant in disease. Therefore, it has been classified as a Variant of Uncertain Significance. Algorithms developed to predict the effect of missense changes on protein structure and function (SIFT, PolyPhen-2, Align-GVGD) all suggest that this variant is likely to be disruptive, but these predictions have not been confirmed by published functional studies and their clinical significance is uncertain. This variant has not been reported in the literature in individuals with BARD1-related conditions. This variant is not present in population databases (ExAC no frequency). This sequence change replaces lysine with glutamic acid at codon 160 of the BARD1 protein (p.Lys160Glu). The lysine residue is highly conserved and there is a small physicochemical difference between lysine and glutamic acid.